The following is an entry in ClinVar:

NM_002470.4(MYH3):c.1960-3T>C

Gene: MYH3 (myosin heavy chain 3; minus strand). Cytogenetic location: 17p13.1.
Variant type: single nucleotide variant.
Coding change: c.1960-3T>C on transcript NM_002470.4 (MANE Select); 3 bases into the intron before coding-DNA position 1960, T replaced by C.
Molecular consequence: intron variant.
Genome position (GRCh38, 1-based): chr17:10,641,375, A>G on the plus strand (T>C on the coding strand, the complement: MYH3 is on the minus strand). VCF-style: chr17-10641375-A-G. GRCh37 (hg19) VCF-style: chr17-10544692-A-G.
Identifiers: ClinVar variation 1986258 (VCV001986258.4), dbSNP rs762672002, ClinGen allele CA8392872.

ClinVar aggregate classification (germline): Uncertain significance (1 of 4 stars; one submission).

Allele frequency attached by ClinVar (database versions not stated): gnomAD 0.00002; gnomAD exomes 0.00002; TOPMed 0.00004; ExAC 0.00013.
gnomAD v4.1: 27 of 1,535,938 alleles (0.0018%); highest among the groups gnomAD compares: Admixed American, 0.048%; 1 homozygote.

Submission:

Labcorp Genetics (formerly Invitae), Labcorp
Classification: Uncertain significance. Last evaluated: 2026-01-31. Review status: criteria provided, single submitter. Criteria: Invitae Variant Classification Sherloc (09022015). Collection method: clinical testing. Allele origin: germline.
Comment: This sequence change falls in intron 17 of the MYH3 gene. It does not directly change the encoded amino acid sequence of the MYH3 protein. It affects a nucleotide within the consensus splice site. This variant is present in population databases (rs762672002, gnomAD 0.08%). This variant has not been reported in the literature in individuals affected with MYH3-related conditions. ClinVar contains an entry for this variant (Variation ID: 1986258). Variants that disrupt the consensus splice site are a relatively common cause of aberrant splicing (PMID: 17576681, 9536098). Algorithms developed to predict the effect of sequence changes on RNA splicing suggest that this variant is not likely to affect RNA splicing. In summary, the available evidence is currently insufficient to determine the role of this variant in disease. Therefore, it has been classified as a Variant of Uncertain Significance.

Literature cited by the submitters: PubMed 17576681; PubMed 9536098.